The following is an entry in ClinVar:

NM_004336.5(BUB1):c.2586T>G (p.Ser862Arg)

Gene: BUB1 (BUB1 mitotic checkpoint serine/threonine kinase; minus strand). Cytogenetic location: 2q13.
Variant type: single nucleotide variant.
Coding change: c.2586T>G on transcript NM_004336.5 (MANE Select); coding-DNA position 2586, T replaced by G.
Protein change: p.Ser862Arg; replaces serine 862 with arginine.
Molecular consequence: missense variant.
Genome position (GRCh38, 1-based): chr2:110,641,681, A>C on the plus strand (T>G on the coding strand, the complement: BUB1 is on the minus strand). VCF-style: chr2-110641681-A-C. GRCh37 (hg19) VCF-style: chr2-111399258-A-C.
Other names: c.2526T>G, p.Ser842Arg (NM_001278616.2); c.2586T>G, p.Ser862Arg (NM_001278617.2); short protein forms S862R, S842R.
Identifiers: ClinVar variation 1793435 (VCV001793435.2), dbSNP rs2467972009, ClinGen allele CA348090200.

ClinVar aggregate classification (germline): Uncertain significance (1 of 4 stars; one submission).

Submission:

Ambry Genetics
Classification: Uncertain significance. Last evaluated: 2022-09-25. Review status: criteria provided, single submitter. Criteria: Ambry Variant Classification Scheme 2023. Collection method: clinical testing. Allele origin: germline.
Comment: The p.S862R variant (also known as c.2586T>G), located in coding exon 21 of the BUB1 gene, results from a T to G substitution at nucleotide position 2586. The serine at codon 862 is replaced by arginine, an amino acid with dissimilar properties. This amino acid position is conserved. In addition, this alteration is predicted to be deleterious by in silico analysis. Since supporting evidence is limited at this time, the clinical significance of this alteration remains unclear.